The following is an entry in ClinVar:

ClinVar aggregate classification (germline): Uncertain significance (1 of 4 stars; one submission).

Allele frequency attached by ClinVar (database versions not stated): gnomAD exomes below 0.00001; ExAC 0.00001; TOPMed 0.00001.
gnomAD v4.1: 6 of 1,614,164 alleles (0.00037%); highest among the groups gnomAD compares: East Asian, 0.0045%; no homozygotes.

Submission:

Labcorp Genetics (formerly Invitae), Labcorp
Classification: Uncertain significance. Last evaluated: 2022-09-06. Review status: criteria provided, single submitter. Criteria: Invitae Variant Classification Sherloc (09022015). Collection method: clinical testing. Allele origin: germline.
Comment: This sequence change replaces proline, which is neutral and non-polar, with leucine, which is neutral and non-polar, at codon 2345 of the LRP2 protein (p.Pro2345Leu). This variant is present in population databases (rs766261644, gnomAD 0.006%). This variant has not been reported in the literature in individuals affected with LRP2-related conditions. Algorithms developed to predict the effect of missense changes on protein structure and function are either unavailable or do not agree on the potential impact of this missense change (SIFT: "Deleterious"; PolyPhen-2: "Probably Damaging"; Align-GVGD: "Class C0"). In summary, the available evidence is currently insufficient to determine the role of this variant in disease. Therefore, it has been classified as a Variant of Uncertain Significance.

NM_004525.3(LRP2):c.7034C>T (p.Pro2345Leu)

Gene: LRP2 (LDL receptor related protein 2; minus strand). Cytogenetic location: 2q31.1.
Variant type: single nucleotide variant.
Coding change: c.7034C>T on transcript NM_004525.3 (MANE Select); coding-DNA position 7034, C replaced by T.
Protein change: p.Pro2345Leu; replaces proline 2345 with leucine.
Molecular consequence: missense variant.
Genome position (GRCh38, 1-based): chr2:169,206,686, G>A on the plus strand (C>T on the coding strand, the complement: LRP2 is on the minus strand). VCF-style: chr2-169206686-G-A. GRCh37 (hg19) VCF-style: chr2-170063196-G-A.
Other names: short protein forms P2345L.
Identifiers: ClinVar variation 2151947 (VCV002151947.1), dbSNP rs766261644, ClinGen allele CA1954175.